The following is an entry in ClinVar:

ClinVar aggregate classification (germline): Uncertain significance (1 of 4 stars; one submission).

Conditions:
Hereditary cancer-predisposing syndrome. Also called: Neoplastic Syndromes, Hereditary; Tumor predisposition; Hereditary neoplastic syndrome; Hereditary Cancer Syndrome. Identifiers: Orphanet 140162, MedGen C0027672, MeSH D009386, MONDO:0015356.

gnomAD v4.1: 1 of 1,614,018 alleles (0.000062%); highest among the groups gnomAD compares: Non-Finnish European, 0.000085%; no homozygotes.

Submission:

Ambry Genetics
Classification: Uncertain significance for Hereditary cancer-predisposing syndrome. Last evaluated: 2026-07-06. Review status: criteria provided, single submitter. Criteria: Ambry Variant Classification Scheme 2023. Collection method: clinical testing. Allele origin: germline.
Comment: The p.G96V variant (also known as c.287G>T), located in coding exon 3 of the NBN gene, results from a G to T substitution at nucleotide position 287. The glycine at codon 96 is replaced by valine, an amino acid with dissimilar properties. This amino acid position is conserved. In addition, the in silico prediction for this alteration is inconclusive. Based on the available evidence, the clinical significance of this variant remains unclear.

NM_002485.5(NBN):c.287G>T (p.Gly96Val)

Gene: NBN (nibrin; minus strand). Cytogenetic location: 8q21.3.
Variant type: single nucleotide variant.
Coding change: c.287G>T on transcript NM_002485.5 (MANE Select); coding-DNA position 287, G replaced by T.
Protein change: p.Gly96Val; replaces glycine 96 with valine.
Molecular consequence: missense variant.
Genome position (GRCh38, 1-based): chr8:89,981,408, C>A on the plus strand (G>T on the coding strand, the complement: NBN is on the minus strand). VCF-style: chr8-89981408-C-A. GRCh37 (hg19) VCF-style: chr8-90993636-C-A.
Other names: c.41G>T, p.Gly14Val (NM_001024688.3, NM_001440379.1, NM_001440380.1); short protein forms G14V, G96V.
Identifiers: ClinVar variation 5025388 (VCV005025388.1).
Genomic context (GRCh38, chr8:89,981,408, plus strand): 5'-TTTAAAATCAATTTTAAAATGTCTTACCTGAATTTACTTCCAAACACTCCAAAAGTAATA[C>A]CATCCCCCGACTTCAAAGTTCGGGAAAAGCCATTCTGCATTTTTTCCTCATTAACAAAGG-3'
Protein context (NP_002476.2, residues 86-106): GFSRTLKSGD[Gly96Val]ITFGVFGSKF